The following is an entry in ClinVar:

NM_001081550.2(THOC2):c.3770A>C (p.Asn1257Thr)

Gene: THOC2 (THO complex subunit 2; minus strand). Cytogenetic location: Xq25.
Variant type: single nucleotide variant.
Coding change: c.3770A>C on transcript NM_001081550.2 (MANE Select); coding-DNA position 3770, A replaced by C.
Protein change: p.Asn1257Thr; replaces asparagine 1257 with threonine.
Molecular consequence: missense variant.
Genome position (GRCh38, 1-based): chrX:123,622,773, T>G on the plus strand (A>C on the coding strand, the complement: THOC2 is on the minus strand). VCF-style: chrX-123622773-T-G. GRCh37 (hg19) VCF-style: chrX-122756624-T-G.
Other names: short protein forms N1257T.
Identifiers: ClinVar variation 1303879 (VCV001303879.2), dbSNP rs2047134304, ClinGen allele CA414263319.

ClinVar aggregate classification (germline): Uncertain significance (1 of 4 stars; one submission).

Allele frequency attached by ClinVar (database versions not stated): gnomAD exomes 0.00001; gnomAD 0.00002; TOPMed 0.00002.
gnomAD v4.1: 10 of 1,183,987 alleles (0.00084%); highest among the groups gnomAD compares: Non-Finnish European, 0.001%; no homozygotes.

Submission:

GeneDx
Classification: Uncertain significance. Last evaluated: 2020-01-29. Review status: criteria provided, single submitter. Criteria: GeneDx Variant Classification Process June 2021. Collection method: clinical testing. Allele origin: germline. Affected: yes.
Comment: Not observed in large population cohorts (Lek et al., 2016); In silico analysis, which includes protein predictors and evolutionary conservation, supports that this variant does not alter protein structure/function; Has not been previously published as pathogenic or benign to our knowledge